The following is an entry in ClinVar:

ClinVar aggregate classification (germline): Pathogenic/Likely pathogenic. Review status: criteria provided, multiple submitters, no conflicts (2 of 4 stars). 3 submissions from 3 submitters: Pathogenic (1); Likely pathogenic (1). 1 of the submissions does not count toward it. Last evaluated 2021-12-24.

Conditions:
SeSAME-like syndrome.
EAST syndrome (SESAMES). Also called: SEIZURES, SENSORINEURAL DEAFNESS, ATAXIA, IMPAIRED INTELLECTUAL DEVELOPMENT, AND ELECTROLYTE IMBALANCE. Identifiers: Orphanet 199343, MedGen C2748572, MONDO:0013005, OMIM 612780.
Autosomal recessive nonsyndromic hearing loss 4 (DFNB4). Also called: NEUROSENSORY NONSYNDROMIC RECESSIVE DEAFNESS 4; Deafness, autosomal recessive 4; Enlarged vestibular aqueduct, digenic; Nonsyndromic enlarged vestibular aqueduct (NSEVA); DEAFNESS, AUTOSOMAL RECESSIVE 4, WITH ENLARGED VESTIBULAR AQUEDUCT, DIGENIC; FOXI1-Related Pendred Syndrome. Identifiers: Orphanet 90636, MedGen C3538946, MONDO:0010933, OMIM 600791.

Allele frequency attached by ClinVar (database versions not stated): gnomAD exomes below 0.00001.
gnomAD v4.1: 6 of 1,614,084 alleles (0.00037%); highest among the groups gnomAD compares: African/African-American, 0.0013%; no homozygotes.

Submissions (3):

Revvity Omics, Revvity
Classification: Likely pathogenic. Last evaluated: 2021-12-24. Review status: criteria provided, single submitter. Criteria: ACMG Guidelines, 2015. Collection method: clinical testing. Allele origin: germline.

Juno Genomics, Hangzhou Juno Genomics, Inc
Classification: Pathogenic for EAST syndrome; Autosomal recessive nonsyndromic hearing loss 4. Review status: criteria provided, single submitter. Criteria: ACMG Guidelines, 2015. Collection method: clinical testing. Allele origin: germline.
Comment: Absent from controls (or at extremely low frequency if recessive) in Genome Aggregation Database.;Multiple lines of computational evidence support a deleterious effect on the gene or gene product.;For recessive disorders, detected in trans with a pathogenic variant.;Co-segregation with disease in multiple affected family members.;Patient's phenotype or family history is highly specific for a disease with a single genetic etiology.

Wang Lab, Institute of Neuroscience, Xiamen university
Classification: Pathogenic for SeSAME-like syndrome. Review status: no assertion criteria provided. Collection method: clinical testing. Allele origin: germline. Inheritance: Autosomal recessive inheritance. Affected: yes. Observed: 2 variant alleles, 2 compound heterozygotes. Clinical features observed: fine motor delay, Bilateral tonic-clonic seizure (HP:0002069). Not counted in ClinVar's aggregate classification.
Comment: We identified two siblings presenting with seizures and motor delays in one outbred kindred. Customized targeted-exome sequencing showed that both affected siblings are compound heterozygous for two KCNJ10 missense mutations (NM_002241.4: c.601G>A: p.A201T and c.626T>C: p.I209T). Prediction tools suggested that both amino acid substitutions were deleterious or disease causing. Further functional studies showed that Chinese hamster ovary (CHO) cells expressing either A201T and/or I209T Kir4.1 channels exhibited lower K+ currents, indicating compromised Kir4.1 biological function. Intriguingly, the A201T but not the I209T mutation decreased total and cell surface Kir4.1 levels. Kir4.1 channels with the A201T mutation were unstable and degraded through lysosomal pathway. In conclusion, these data indicated that both A201T and I209T mutations disrupt Kir4.1 activity and are the cause of SeSAME/EAST-like syndrome in the siblings.

NM_002241.5(KCNJ10):c.626T>C (p.Ile209Thr)

Gene: KCNJ10 (potassium inwardly rectifying channel subfamily J member 10; minus strand). Cytogenetic location: 1q23.2.
Variant type: single nucleotide variant.
Coding change: c.626T>C on transcript NM_002241.5 (MANE Select); coding-DNA position 626, T replaced by C.
Protein change: p.Ile209Thr; replaces isoleucine 209 with threonine.
Molecular consequence: missense variant.
Genome position (GRCh38, 1-based): chr1:160,041,907, A>G on the plus strand (T>C on the coding strand, the complement: KCNJ10 is on the minus strand). VCF-style: chr1-160041907-A-G. GRCh37 (hg19) VCF-style: chr1-160011697-A-G.
Other names: short protein forms I209T.
Identifiers: ClinVar variation 692216 (VCV000692216.8), dbSNP rs1404425302, ClinGen allele CA343226207.